The following is an entry in ClinVar:

NM_000143.4(FH):c.1495G>T (p.Glu499Ter)

Gene: FH (fumarate hydratase; minus strand). Cytogenetic location: 1q43.
Variant type: single nucleotide variant.
Coding change: c.1495G>T on transcript NM_000143.4 (MANE Select); coding-DNA position 1495, G replaced by T.
Protein change: p.Glu499Ter; replaces glutamic acid 499 with a stop codon.
Molecular consequence: nonsense.
Genome position (GRCh38, 1-based): chr1:241,497,866, C>A on the plus strand (G>T on the coding strand, the complement: FH is on the minus strand). VCF-style: chr1-241497866-C-A. GRCh37 (hg19) VCF-style: chr1-241661166-C-A.
Other names: short protein forms E499*.
Identifiers: ClinVar variation 2855397 (VCV002855397.3), dbSNP rs750838853, ClinGen allele CA345450277.

ClinVar aggregate classification (germline): Pathogenic (1 of 4 stars; one submission).

Submission:

Labcorp Genetics (formerly Invitae), Labcorp
Classification: Pathogenic. Last evaluated: 2023-04-12. Review status: criteria provided, single submitter. Criteria: Invitae Variant Classification Sherloc (09022015). Collection method: clinical testing. Allele origin: germline.
Comment: For these reasons, this variant has been classified as Pathogenic. This variant disrupts a region of the FH protein in which other variant(s) (p.Glu495Valfs*2) have been determined to be pathogenic (PMID: 9635293, 21398687). This suggests that this is a clinically significant region of the protein, and that variants that disrupt it are likely to be disease-causing. This variant has not been reported in the literature in individuals affected with FH-related conditions. This variant is not present in population databases (gnomAD no frequency). This sequence change creates a premature translational stop signal (p.Glu499*) in the FH gene. While this is not anticipated to result in nonsense mediated decay, it is expected to disrupt the last 12 amino acid(s) of the FH protein.

Literature cited by the submitters: PubMed 9635293; PubMed 21398687.